The following is an entry in ClinVar:

ClinVar aggregate classification (germline): Pathogenic. Review status: criteria provided, single submitter (1 of 4 stars). 2 submissions from 2 submitters: Pathogenic (1). 1 of the submissions does not count toward it. Last evaluated 2016-12-19.

Conditions:
TWIST1-related craniosynostosis (CRS1). Also called: CRANIOSYNOSTOSIS 1. Identifiers: Orphanet 63440, MedGen C4551902, MONDO:0007399, OMIM 123100. Inheritance: Heterogenous inheritance pattern.
Saethre-Chotzen syndrome (SCS). Also called: ACROCEPHALY, SKULL ASYMMETRY, AND MILD SYNDACTYLY; ACS III; CHOTZEN SYNDROME. Identifiers: Orphanet 794, MedGen C0175699, MONDO:0007042, OMIM 101400.
Saethre-Chotzen syndrome with eyelid anomalies. Identifiers: MedGen C1863370.

Submissions (2):

Labcorp Genetics (formerly Invitae), Labcorp
Classification: Pathogenic for TWIST1-related craniosynostosis; Saethre-Chotzen syndrome. Last evaluated: 2016-12-19. Review status: criteria provided, single submitter. Criteria: Invitae Variant Classification Sherloc (09022015). Collection method: clinical testing. Allele origin: germline.
Comment: This sequence change creates a premature translational stop signal at codon 28 (p.Gln28*) of the TWIST1 gene. It is expected to result in an absent or disrupted protein product. For these reasons, this variant has been classified as Pathogenic. Loss-of-function variants in TWIST1 are known to be pathogenic. This particular variant has been reported in the literature in several individuals with Saethre-Chotzen syndrome (PMID: 10649491, 24127277, 11977182).

OMIM
Classification: Pathogenic for SAETHRE-CHOTZEN SYNDROME WITH EYELID ANOMALIES. Last evaluated: 2002-05-01. Review status: no assertion criteria provided. Collection method: literature only. Allele origin: germline. Not counted in ClinVar's aggregate classification.

Literature cited by the submitters: PubMed 10649491 (cited by Labcorp Genetics (formerly Invitae), Labcorp); PubMed 24127277 (cited by Labcorp Genetics (formerly Invitae), Labcorp); PubMed 11977182 (cited by Labcorp Genetics (formerly Invitae), Labcorp and OMIM); PubMed 11474656 (cited by OMIM); PubMed 8968762 (cited by OMIM).

NM_000474.4(TWIST1):c.82C>T (p.Gln28Ter)

Gene: TWIST1 (twist family bHLH transcription factor 1; minus strand). Cytogenetic location: 7p21.1.
Variant type: single nucleotide variant.
Coding change: c.82C>T on transcript NM_000474.4 (MANE Select); coding-DNA position 82, C replaced by T.
Protein change: p.Gln28Ter; replaces glutamine 28 with a stop codon.
Molecular consequence: nonsense. On other transcripts: non-coding transcript variant (1).
Genome position (GRCh38, 1-based): chr7:19,117,240, G>A on the plus strand (C>T on the coding strand, the complement: TWIST1 is on the minus strand). VCF-style: chr7-19117240-G-A. GRCh37 (hg19) VCF-style: chr7-19156863-G-A.
Other names: short protein forms Q28*.
Identifiers: ClinVar variation 7983 (VCV000007983.10), dbSNP rs104894055, ClinGen allele CA119189.